The following is an entry in ClinVar:

NM_012330.4(KAT6B):c.3601A>G (p.Arg1201Gly)

Gene: KAT6B (lysine acetyltransferase 6B; plus strand). Cytogenetic location: 10q22.2.
Variant type: single nucleotide variant.
Coding change: c.3601A>G on transcript NM_012330.4 (MANE Select); coding-DNA position 3601, A replaced by G.
Protein change: p.Arg1201Gly; replaces arginine 1201 with glycine.
Molecular consequence: missense variant.
Genome position (GRCh38, 1-based): chr10:75,025,186, A>G. VCF-style: chr10-75025186-A-G. GRCh37 (hg19) VCF-style: chr10-76784944-A-G.
Other names: c.3052A>G, p.Arg1018Gly (NM_001256468.2, NM_001370138.1); c.2725A>G, p.Arg909Gly (NM_001256469.2, NM_001370139.1, NM_001370140.1 and 2 more transcripts); c.2563A>G, p.Arg855Gly (NM_001370132.1); c.1912A>G, p.Arg638Gly (NM_001370133.1); c.1516A>G, p.Arg506Gly (NM_001370134.1); c.1258A>G, p.Arg420Gly (NM_001370135.1); c.3601A>G, p.Arg1201Gly (NM_001370136.1, NM_001370137.1); c.2536A>G, p.Arg846Gly (NM_001370143.1, NM_001370144.1); short protein forms R1018G, R420G, R506G, R846G, R855G, R638G, R1201G, R909G.
Identifiers: ClinVar variation 2841412 (VCV002841412.3), dbSNP rs747308567, ClinGen allele CA377288595.

ClinVar aggregate classification (germline): Uncertain significance (1 of 4 stars; one submission).

Conditions:
Genitopatellar syndrome (GTPTS). Also called: Genitopatellar syndrome (GPS); ABSENT PATELLAE, SCROTAL HYPOPLASIA, RENAL ANOMALIES, FACIAL DYSMORPHISM, AND MENTAL RETARDATION. Identifiers: Orphanet 85201, MedGen C1853566, MONDO:0011640, OMIM 606170.

Submission:

Labcorp Genetics (formerly Invitae), Labcorp
Classification: Uncertain significance for Genitopatellar syndrome. Last evaluated: 2023-02-27. Review status: criteria provided, single submitter. Criteria: Invitae Variant Classification Sherloc (09022015). Collection method: clinical testing. Allele origin: germline.
Comment: In summary, the available evidence is currently insufficient to determine the role of this variant in disease. Therefore, it has been classified as a Variant of Uncertain Significance. Advanced modeling of protein sequence and biophysical properties (such as structural, functional, and spatial information, amino acid conservation, physicochemical variation, residue mobility, and thermodynamic stability) performed at Invitae indicates that this missense variant is not expected to disrupt KAT6B protein function. This variant has not been reported in the literature in individuals affected with KAT6B-related conditions. This variant is not present in population databases (gnomAD no frequency). This sequence change replaces arginine, which is basic and polar, with glycine, which is neutral and non-polar, at codon 1201 of the KAT6B protein (p.Arg1201Gly).